The following is an entry in ClinVar:

ClinVar aggregate classification (germline): Likely pathogenic (1 of 4 stars; one submission).

Conditions:
Hypophosphatasia. Also called: Phosphoethanol-aminuria. Identifiers: Orphanet 436, MedGen C0020630, MeSH D007014, MONDO:0018570.

Submission:

Myriad Genetics, Inc.
Classification: Likely pathogenic for Hypophosphatasia. Last evaluated: 2022-03-15. Review status: criteria provided, single submitter. Criteria: Myriad Autosomal Dominant, Autosomal Recessive and X-Linked Classification Criteria (2023). Collection method: clinical testing. Allele origin: unknown.
Comment: NM_000478.4(ALPL):c.567_568delCA(D189Efs*6) is expected to be pathogenic in the context of hypophosphatasia. This variant is predicted to lead to an abnormal or absent protein product due to the creation of a premature termination codon in ALPL, a gene where loss-of-function variants are known to be pathogenic. Please note: this variant was assessed in the context of healthy population screening.

NM_000478.6(ALPL):c.567_568del (p.Asp189fs)

Gene: ALPL (alkaline phosphatase, biomineralization associated; plus strand). Cytogenetic location: 1p36.12.
Variant type: Deletion.
Coding change: c.567_568del on transcript NM_000478.6 (MANE Select); coding-DNA positions 567 to 568, 2 bases deleted (CA; older notation c.567_568delCA).
Protein change: p.Asp189fs; shifts the reading frame from aspartic acid 189.
Molecular consequence: frameshift variant.
Genome position (GRCh38, 1-based): chr1:21,564,135-21,564,136, CA deleted; deleting any 2 consecutive bases within chr1:21,564,134-21,564,136 gives the same sequence; the c. name uses the placement nearest the transcript's 3' end. VCF-style (leftmost placement, unchanged base first): chr1-21564133-GAC-G. GRCh37 (hg19) VCF-style: chr1-21890626-GAC-G.
Other names: c.402_403del, p.Asp134fs (NM_001127501.4); c.336_337del, p.Asp112fs (NM_001177520.3); c.567_568del, p.Asp189fs (NM_001369803.2, NM_001369804.2, NM_001369805.2); short protein forms D112fs, D134fs, D189fs.
Identifiers: ClinVar variation 1725271 (VCV001725271.3), dbSNP rs2545303976, ClinGen allele CA2580061463.